The following is an entry in ClinVar:

ClinVar aggregate classification (germline): Conflicting classifications of pathogenicity. Review status: criteria provided, conflicting classifications (1 of 4 stars). 10 submissions from 10 submitters: Uncertain significance (8); Likely benign (2). Last evaluated 2025-12-29.

Conditions:
Hereditary nonpolyposis colon cancer (HNPCC). Also called: Hereditary nonpolyposis colorectal cancer; Familial nonpolyposis colon cancer; Hereditary Nonpolyposis Colorectal Cancer Syndrome. Identifiers: Orphanet 443909, MedGen C1333990, MONDO:0018630. Disease mechanism: loss of function.
Lynch syndrome. Identifiers: Orphanet 144, MedGen C4552100, MONDO:0005835. Disease mechanism: loss of function.
Hereditary nonpolyposis colorectal neoplasms. Identifiers: MedGen C0009405, MeSH D003123.
Hereditary cancer-predisposing syndrome. Also called: Neoplastic Syndromes, Hereditary; Tumor predisposition; Hereditary Cancer Syndrome; Hereditary neoplastic syndrome. Identifiers: Orphanet 140162, MedGen C0027672, MeSH D009386, MONDO:0015356.
Endometrial carcinoma. Also called: Endometrial carcinoma, somatic. Identifiers: MedGen C0476089, MONDO:0002447, OMIM 608089, HP:0012114.

Allele frequency attached by ClinVar (database versions not stated): gnomAD 0.00001; TOPMed 0.00002.
gnomAD v4.1: 12 of 1,614,056 alleles (0.00074%); highest among the groups gnomAD compares: Admixed American, 0.01%; no homozygotes.

Submissions (10):

Labcorp Genetics (formerly Invitae), Labcorp
Classification: Likely benign for Hereditary nonpolyposis colorectal neoplasms. Last evaluated: 2025-12-29. Review status: criteria provided, single submitter. Criteria: Invitae Variant Classification Sherloc (09022015). Collection method: clinical testing. Allele origin: germline.

Ambry Genetics
Classification: Uncertain significance for Hereditary cancer-predisposing syndrome. Last evaluated: 2024-11-27. Review status: criteria provided, single submitter. Criteria: Ambry Variant Classification Scheme 2023. Collection method: clinical testing. Allele origin: germline.
Comment: The p.E376G variant (also known as c.1127A>G), located in coding exon 4 of the MSH6 gene, results from an A to G substitution at nucleotide position 1127. The glutamic acid at codon 376 is replaced by glycine, an amino acid with similar properties. This amino acid position is not well conserved in available vertebrate species. In addition, this alteration is predicted to be tolerated by in silico analysis. Based on the available evidence, the clinical significance of this variant remains unclear.

All of Us Research Program, National Institutes of Health
Classification: Uncertain significance for Lynch syndrome. Last evaluated: 2024-05-09. Review status: criteria provided, single submitter. Criteria: ACMG Guidelines, 2015. Collection method: clinical testing. Allele origin: germline. Inheritance: Autosomal dominant inheritance. Observed: 3 variant alleles, 3 heterozygotes.
Comment: This missense variant replaces glutamic acid with glycine at codon 376 of the MSH6 protein. Computational prediction suggests that this variant may not impact protein structure and function (internally defined REVEL score threshold <= 0.5, PMID: 27666373). To our knowledge, functional studies have not been reported for this variant. This variant has been reported in two individuals affected with breast cancer (PMID: 33471991; DOI: 10.1101/2021.04.15.21255554) and several healthy controls from a breast cancer case-control study (PMID: 33471991). This variant has been identified in 4/282366 chromosomes in the general population by the Genome Aggregation Database (gnomAD). The available evidence is insufficient to determine the role of this variant in disease conclusively. Therefore, this variant is classified as a Variant of Uncertain Significance.

This study involves interpretation of variants in research participants for the purpose of population health screening. Participant phenotype was not available at the time of variant classification. Additional details can be found in publication PMID: 35346344, PMCID: PMC8962531

Mendelics
Classification: Likely benign for Hereditary nonpolyposis colon cancer. Last evaluated: 2024-04-09. Review status: criteria provided, single submitter. Criteria: ACMG Guidelines, 2015. Collection method: clinical testing. Allele origin: unknown.

Color Diagnostics, LLC DBA Color Health
Classification: Uncertain significance for Hereditary cancer-predisposing syndrome. Last evaluated: 2024-03-13. Review status: criteria provided, single submitter. Criteria: ACMG Guidelines, 2015. Collection method: clinical testing. Allele origin: germline.
Comment: This missense variant replaces glutamic acid with glycine at codon 376 of the MSH6 protein. Computational prediction suggests that this variant may not impact protein structure and function (internally defined REVEL score threshold <= 0.5, PMID: 27666373). To our knowledge, functional studies have not been reported for this variant. This variant has been reported in two individuals affected with breast cancer (PMID: 33471991; DOI: 10.1101/2021.04.15.21255554) and several healthy controls from a breast cancer case-control study (PMID: 33471991). This variant has been identified in 4/282366 chromosomes in the general population by the Genome Aggregation Database (gnomAD). The available evidence is insufficient to determine the role of this variant in disease conclusively. Therefore, this variant is classified as a Variant of Uncertain Significance.

Women's Health and Genetics/Laboratory Corporation of America, LabCorp
Classification: Uncertain significance. Last evaluated: 2024-02-21. Review status: criteria provided, single submitter. Criteria: LabCorp Variant Classification Summary - May 2015. Collection method: clinical testing. Allele origin: germline.
Comment: Variant summary: MSH6 c.1127A>G (p.Glu376Gly) results in a non-conservative amino acid change in the encoded protein sequence. Three of five in-silico tools predict a benign effect of the variant on protein function. The variant allele was found at a frequency of 1.2e-05 in 250962 control chromosomes (gnomAD). The available data on variant occurrences in the general population are insufficient to allow any conclusion about variant significance. c.1127A>G has been reported in the literature in individuals affected with breast cancer, as well as unaffected controls (Dorling_2021, de Oliveira_2022). These reports do not provide unequivocal conclusions about association of the variant with Lynch Syndrome. To our knowledge, no experimental evidence demonstrating an impact on protein function has been reported. The following publications have been ascertained in the context of this evaluation (PMID: 33471991, 35534704). ClinVar contains an entry for this variant (Variation ID: 231103). Based on the evidence outlined above, the variant was classified as uncertain significance.

Baylor Genetics
Classification: Uncertain significance for Endometrial carcinoma. Last evaluated: 2023-10-31. Review status: criteria provided, single submitter. Criteria: ACMG Guidelines, 2015. Collection method: clinical testing. Allele origin: unknown.

GeneDx
Classification: Uncertain significance. Last evaluated: 2023-07-03. Review status: criteria provided, single submitter. Criteria: GeneDx Variant Classification Process June 2021. Collection method: clinical testing. Allele origin: germline. Affected: yes.
Comment: Not observed at significant frequency in large population cohorts (gnomAD); In silico analysis supports that this missense variant does not alter protein structure/function; Has not been previously published as pathogenic or benign to our knowledge; This variant is associated with the following publications: (PMID: 22949387, 33471991, 23621914, 33203166, 32664968, 17531815, 21120944)

Sema4
Classification: Uncertain significance for Hereditary cancer-predisposing syndrome. Last evaluated: 2021-12-17. Review status: criteria provided, single submitter. Criteria: Sema4 Curation Guidelines. Collection method: curation. Allele origin: germline.
Comment: The MSH6 c.1127A>G (p.E376G) variant has been reported in a large breast cancer case-control study in 1/60466 cases and 3/53461 controls (PMID: 33471991). It was observed in 3/35424 chromosomes in the Latino/Admixed American subpopulation in the large and broad cohorts of the Genome Aggregation Database (PMID: 32461654). This variant has been reported in ClinVar (Variation ID: 231103). Functional studies have not been performed, and in silico predictions of the variant's effect on protein function are inconclusive. Based on the current evidence available, this variant is interpreted as a variant of uncertain significance.

Institute for Clinical Genetics, University Hospital TU Dresden, University Hospital TU Dresden
Classification: Uncertain significance. Last evaluated: 2021-11-03. Review status: criteria provided, single submitter. Criteria: ACMG Guidelines, 2015. Collection method: clinical testing. Allele origin: germline.

Literature cited by the submitters: PubMed 23621914 (cited by Ambry Genetics); PubMed 33471991 (cited by 4 submitters); PubMed 35534704 (cited by Women's Health and Genetics/Laboratory Corporation of America, LabCorp).

NM_000179.3(MSH6):c.1127A>G (p.Glu376Gly)

Gene: MSH6 (mutS homolog 6; plus strand). Cytogenetic location: 2p16.3.
Variant type: single nucleotide variant.
Coding change: c.1127A>G on transcript NM_000179.3 (MANE Select); coding-DNA position 1127, A replaced by G.
Protein change: p.Glu376Gly; replaces glutamic acid 376 with glycine.
Molecular consequence: missense variant.
Genome position (GRCh38, 1-based): chr2:47,799,110, A>G. VCF-style: chr2-47799110-A-G. GRCh37 (hg19) VCF-style: chr2-48026249-A-G.
Other names: c.737A>G, p.Glu246Gly (NM_001281492.2); c.221A>G, p.Glu74Gly (NM_001281493.2, NM_001281494.2); short protein forms E376G, E246G, E74G.
Identifiers: ClinVar variation 231103 (VCV000231103.31), dbSNP rs764150912, ClinGen allele CA067175.